The following is an entry in ClinVar:

NM_000548.5(TSC2):c.1883G>C (p.Arg628Pro)

Gene: TSC2 (TSC complex subunit 2; plus strand). Cytogenetic location: 16p13.3.
Variant type: single nucleotide variant.
Coding change: c.1883G>C on transcript NM_000548.5 (MANE Select); coding-DNA position 1883, G replaced by C.
Protein change: p.Arg628Pro; replaces arginine 628 with proline.
Molecular consequence: missense variant.
Genome position (GRCh38, 1-based): chr16:2,071,553, G>C. VCF-style: chr16-2071553-G-C. GRCh37 (hg19) VCF-style: chr16-2121554-G-C.
Other names: c.1883G>C, p.Arg628Pro (NM_001077183.3, NM_001114382.3, NM_001363528.2 and 3 more transcripts); c.1772G>C, p.Arg591Pro (NM_001318827.2); c.1736G>C, p.Arg579Pro (NM_001318829.2); c.1283G>C, p.Arg428Pro (NM_001318831.2); c.1916G>C, p.Arg639Pro (NM_001318832.2); short protein forms R428P, R628P, R639P, R591P, R579P.
Identifiers: ClinVar variation 805695 (VCV000805695.2), dbSNP rs774895427, ClinGen allele CA394273117.

ClinVar aggregate classification (germline): Uncertain significance (1 of 4 stars; one submission).

Submission:

Athena Diagnostics
Classification: Uncertain significance. Last evaluated: 2024-06-19. Review status: criteria provided, single submitter. Criteria: Athena Diagnostics Criteria. Collection method: clinical testing. Allele origin: unknown.
Comment: Available data are insufficient to determine the clinical significance of the variant at this time. This variant has not been reported in large, multi-ethnic general populations. Polyphen and MutationTaster predict this amino acid change may be damaging to the protein.